The following is an entry in ClinVar:

ClinVar aggregate classification (germline): Likely pathogenic. Review status: criteria provided, multiple submitters, no conflicts (2 of 4 stars). 2 submissions from 2 submitters: Likely pathogenic (2). Last evaluated 2026-11-23.

Conditions:
Familial X-linked hypophosphatemic vitamin D refractory rickets (XLHRD). Also called: X-Linked Hypophosphatemia; HYPOPHOSPHATEMIC VITAMIN D-RESISTANT RICKETS; Hypophosphatemic Rickets, X-Linked Dominant; Hypophosphatemia, vitamin D-resistant rickets; Vitamin D-resistant rickets, X-linked. Identifiers: Orphanet 89936, MedGen C0733682, MONDO:0010619, OMIM 307800.

Submissions (2):

Clinical Genetics Laboratory, Skane University Hospital Lund
Classification: Likely pathogenic for Familial X-linked hypophosphatemic vitamin D refractory rickets. Last evaluated: 2026-11-23. Review status: criteria provided, single submitter. Criteria: ACMG Guidelines, 2015. Collection method: clinical testing. Allele origin: germline. Affected: yes. Observed: 1 variant allele.
Comment: PHEX (NM_000444.6) c.1405-2_1415del, p? represents a 13-base-pair deletion spanning intron 12 and exon 13 of 22, which is likely to result in altered splicing of exon 13, thereby leading to an in-frame deletion of exon 13. The PHEX c.1405-2_1415del variant has not been observed in the general population and has previously been described in ClinVar (accession VCV002106299.4). The variant has been classified as likely pathogenic according to the following ACMG criteria: PVS1_strong, PM2, and PS4_supporting.

Labcorp Genetics (formerly Invitae), Labcorp
Classification: Likely pathogenic. Last evaluated: 2022-03-04. Review status: criteria provided, single submitter. Criteria: Invitae Variant Classification Sherloc (09022015). Collection method: clinical testing. Allele origin: germline.
Comment: In summary, the currently available evidence indicates that the variant is pathogenic, but additional data are needed to prove that conclusively. Therefore, this variant has been classified as Likely Pathogenic. Algorithms developed to predict the effect of sequence changes on RNA splicing suggest that this variant may disrupt the consensus splice site. This variant has been observed in individual(s) with hypophosphatemia (Invitae). This variant is not present in population databases (gnomAD no frequency). This variant results in the deletion of part of exon 13 (1405-2_1415del) of the PHEX gene. It is expected to disrupt RNA splicing. Variants that disrupt the donor or acceptor splice site typically lead to a loss of protein function (PMID: 16199547), and loss-of-function variants in PHEX are known to be pathogenic (PMID: 9097956, 9106524, 19219621).

Literature cited by the submitters: PubMed 16199547 (cited by Labcorp Genetics (formerly Invitae), Labcorp); PubMed 9097956 (cited by Labcorp Genetics (formerly Invitae), Labcorp); PubMed 9106524 (cited by Labcorp Genetics (formerly Invitae), Labcorp); PubMed 19219621 (cited by Labcorp Genetics (formerly Invitae), Labcorp).

NM_000444.6(PHEX):c.1405-2_1415del

Genes: PHEX (phosphate regulating endopeptidase X-linked; plus strand), PHEX-AS1 (PHEX antisense RNA 1; minus strand), PTCHD1-AS (PTCHD1 and PHEX antisense RNA; minus strand). Cytogenetic location: Xp22.11.
Variant type: Deletion.
Coding change: c.1405-2_1415del on transcript NM_000444.6 (MANE Select); the canonical splice acceptor site of the intron before coding-DNA position 1405 through coding-DNA position 1415, 13 bases deleted (AGGCGAGAGCTGT).
Molecular consequence: splice acceptor variant.
Genome position (GRCh38, 1-based): chrX:22,168,310-22,168,322, AGGCGAGAGCTGT deleted; deleting any 13 consecutive bases within chrX:22,168,307-22,168,322 gives the same sequence; the c. name uses the placement nearest the transcript's 3' end. VCF-style (leftmost placement, unchanged base first): chrX-22168306-TTGTAGGCGAGAGC-T. GRCh37 (hg19) VCF-style: chrX-22186423-TTGTAGGCGAGAGC-T.
Other names: c.1405-2_1415del (NM_001282754.2).
Identifiers: ClinVar variation 2106299 (VCV002106299.5), dbSNP rs2518592983, ClinGen allele CA2580100465.
Genomic context (GRCh38, chrX:22,168,306, plus strand): 5'-ATCTTGTGATTATTAATGATTTAAGTGCTGAAACTCTGACATTATTTTTCTTTTTCCTTT[TTGTAGGCGAGAGC>T]TGTTTTGGCAAAAGTTGGCTATCCAGAGTTTATAATGAATGATACTCATGTTAATGAAGA-3'